The following is an entry in ClinVar:

ClinVar aggregate classification (germline): Likely pathogenic (1 of 4 stars; one submission).

Allele frequency attached by ClinVar (database versions not stated): gnomAD exomes 0.00001.
gnomAD v4.1: 3 of 1,614,156 alleles (0.00019%); highest among the groups gnomAD compares: Non-Finnish European, 0.00025%; no homozygotes.

Submission:

Labcorp Genetics (formerly Invitae), Labcorp
Classification: Likely pathogenic. Last evaluated: 2023-09-08. Review status: criteria provided, single submitter. Criteria: Invitae Variant Classification Sherloc (09022015). Collection method: clinical testing. Allele origin: germline.
Comment: In summary, the currently available evidence indicates that the variant is pathogenic, but additional data are needed to prove that conclusively. Therefore, this variant has been classified as Likely Pathogenic. Advanced modeling of protein sequence and biophysical properties (such as structural, functional, and spatial information, amino acid conservation, physicochemical variation, residue mobility, and thermodynamic stability) performed at Invitae indicates that this missense variant is expected to disrupt ABCA4 protein function. ClinVar contains an entry for this variant (Variation ID: 2202793). This missense change has been observed in individual(s) with ABCA4-related conditions (PMID: 21911583; Invitae). This variant is not present in population databases (gnomAD no frequency). This sequence change replaces lysine, which is basic and polar, with glutamic acid, which is acidic and polar, at codon 1069 of the ABCA4 protein (p.Lys1069Glu).

Literature cited by the submitters: PubMed 21911583.

NM_000350.3(ABCA4):c.3205A>G (p.Lys1069Glu)

Gene: ABCA4 (ATP binding cassette subfamily A member 4; minus strand). Cytogenetic location: 1p22.1.
Variant type: single nucleotide variant.
Coding change: c.3205A>G on transcript NM_000350.3 (MANE Select); coding-DNA position 3205, A replaced by G.
Protein change: p.Lys1069Glu; replaces lysine 1069 with glutamic acid.
Molecular consequence: missense variant.
Genome position (GRCh38, 1-based): chr1:94,042,884, T>C on the plus strand (A>G on the coding strand, the complement: ABCA4 is on the minus strand). VCF-style: chr1-94042884-T-C. GRCh37 (hg19) VCF-style: chr1-94508440-T-C.
Other names: c.2983A>G, p.Lys995Glu (NM_001425324.1); short protein forms K1069E, K995E.
Identifiers: ClinVar variation 2202793 (VCV002202793.4), dbSNP rs1557778273, ClinGen allele CA341292352.